The following is an entry in ClinVar:

ClinVar aggregate classification (germline): Pathogenic (1 of 4 stars; one submission).

Conditions:
LAMA2-related muscular dystrophy (LAMA2-RD). Also called: Laminin alpha 2-related dystrophy. Identifiers: MedGen C5679788, MONDO:0100228.

Submission:

Labcorp Genetics (formerly Invitae), Labcorp
Classification: Pathogenic for LAMA2-related muscular dystrophy. Last evaluated: 2022-03-08. Review status: criteria provided, single submitter. Criteria: Invitae Variant Classification Sherloc (09022015). Collection method: clinical testing. Allele origin: germline.
Comment: This variant is not present in population databases (gnomAD no frequency). This variant has not been reported in the literature in individuals affected with LAMA2-related conditions. For these reasons, this variant has been classified as Pathogenic. This sequence change creates a premature translational stop signal (p.Glu1092Valfs*15) in the LAMA2 gene. It is expected to result in an absent or disrupted protein product. Loss-of-function variants in LAMA2 are known to be pathogenic (PMID: 18700894, 32904964).

Literature cited by the submitters: PubMed 18700894; PubMed 32904964.

NM_000426.4(LAMA2):c.3275_3276del (p.Glu1092fs)

Gene: LAMA2 (laminin subunit alpha 2; plus strand). Cytogenetic location: 6q22.33.
Variant type: Microsatellite.
Coding change: c.3275_3276del on transcript NM_000426.4 (MANE Select); coding-DNA positions 3275 to 3276, 2 bases deleted (AG; older notation c.3275_3276delAG).
Protein change: p.Glu1092fs; shifts the reading frame from glutamic acid 1092.
Molecular consequence: frameshift variant.
Genome position (GRCh38, 1-based): chr6:129,312,961-129,312,962, AG deleted; deleting any 2 consecutive bases within chr6:129,312,959-129,312,962 gives the same sequence; the c. name uses the placement nearest the transcript's 3' end. VCF-style (leftmost placement, unchanged base first): chr6-129312958-CAG-C. GRCh37 (hg19) VCF-style: chr6-129634103-CAG-C.
Other names: c.3275_3276del, p.Glu1092fs (NM_001079823.2); short protein forms E1092fs.
Identifiers: ClinVar variation 1392696 (VCV001392696.6), dbSNP rs1156538773, ClinGen allele CA818854260.
Genomic context (GRCh38, chr6:129,312,958, plus strand): 5'-AATGCAATGTAAATACAGGCCAATGCAACTGTCATCCAAAATTCTCTGGTGCAAAATGTA[CAG>C]AGTGCAGTCGAGGTCACTGGAACTACCCTCGCTGCAATCTCTGTGACTGCTTCCTCCCTG-3'